The following is an entry in ClinVar:

NM_000130.5(F5):c.1609C>T (p.Gln537Ter)

Gene: F5 (coagulation factor V; minus strand). Cytogenetic location: 1q24.2.
Variant type: single nucleotide variant.
Coding change: c.1609C>T on transcript NM_000130.5 (MANE Select); coding-DNA position 1609, C replaced by T.
Protein change: p.Gln537Ter; replaces glutamine 537 with a stop codon.
Molecular consequence: nonsense.
Genome position (GRCh38, 1-based): chr1:169,549,803, G>A on the plus strand (C>T on the coding strand, the complement: F5 is on the minus strand). VCF-style: chr1-169549803-G-A. GRCh37 (hg19) VCF-style: chr1-169519041-G-A.
Other names: short protein forms Q537*.
Identifiers: ClinVar variation 3616544 (VCV003616544.2).
Genomic context (GRCh38, chr1:169,549,803, plus strand): 5'-TGTTCTAGCCAGAAGAAATTCTCAGAATTTCTGAAAGGTTACTTCAAGGACAAAATACCT[G>A]TATTCCTCGCCTGTCCAGGGATCTGCTCTTACAGATTAGAAGTAGTCCTATTAGCCCAGA-3'

ClinVar aggregate classification (germline): Pathogenic (1 of 4 stars; one submission).

Conditions:
Congenital factor V deficiency. Also called: Hereditary factor V deficiency disease; LABILE FACTOR DEFICIENCY; OWREN PARAHEMOPHILIA; PARAHEMOPHILIA. Identifiers: Orphanet 326, MedGen C0015499, MONDO:0009210, OMIM 227400.

gnomAD v4.1: 1 of 1,611,204 alleles (0.000062%); highest among the groups gnomAD compares: Non-Finnish European, 0.000085%; no homozygotes.

Submission:

Labcorp Genetics (formerly Invitae), Labcorp
Classification: Pathogenic for Congenital factor V deficiency. Last evaluated: 2025-03-19. Review status: criteria provided, single submitter. Criteria: Invitae Variant Classification Sherloc (09022015). Collection method: clinical testing. Allele origin: germline.
Comment: This sequence change creates a premature translational stop signal (p.Gln537*) in the F5 gene. It is expected to result in an absent or disrupted protein product. Loss-of-function variants in F5 are known to be pathogenic (PMID: 30924984). This variant is not present in population databases (gnomAD no frequency). This variant has not been reported in the literature in individuals affected with F5-related conditions. Algorithms developed to predict the effect of sequence changes on RNA splicing suggest that this variant may disrupt the consensus splice site. For these reasons, this variant has been classified as Pathogenic.

Literature cited by the submitters: PubMed 30924984.